The following is an entry in ClinVar:

ClinVar aggregate classification (germline): Uncertain significance (1 of 4 stars; one submission).

Submission:

CeGaT Center for Human Genetics Tuebingen
Classification: Uncertain significance. Last evaluated: 2024-03-01. Review status: criteria provided, single submitter. Criteria: CeGaT Center For Human Genetics Tuebingen Variant Classification Criteria Version 2. Collection method: clinical testing. Allele origin: germline. Affected: yes. Observed: 3 variant alleles.
Comment: TGFBR2: PM2, PM5:Supporting

NM_003242.6(TGFBR2):c.1492C>T (p.Pro498Ser)

Gene: TGFBR2 (transforming growth factor beta receptor 2; plus strand). Cytogenetic location: 3p24.1.
Variant type: single nucleotide variant.
Coding change: c.1492C>T on transcript NM_003242.6 (MANE Select); coding-DNA position 1492, C replaced by T.
Protein change: p.Pro498Ser; replaces proline 498 with serine.
Molecular consequence: missense variant.
Genome position (GRCh38, 1-based): chr3:30,688,479, C>T. VCF-style: chr3-30688479-C-T. GRCh37 (hg19) VCF-style: chr3-30729971-C-T.
Other names: c.1567C>T, p.Pro523Ser (NM_001024847.3); c.1675C>T, p.Pro559Ser (NM_001407126.1); c.1600C>T, p.Pro534Ser (NM_001407127.1); c.1519C>T, p.Pro507Ser (NM_001407128.1); c.1495C>T, p.Pro499Ser (NM_001407129.1); c.1489C>T, p.Pro497Ser (NM_001407130.1); c.1387C>T, p.Pro463Ser (NM_001407132.1, NM_001407133.1, NM_001407134.1 and 2 more transcripts); c.1207C>T, p.Pro403Ser (NM_001407137.1); and 2 more; short protein forms P498S, P523S, P378S, P403S, P499S, P507S, P559S, P208S.
Identifiers: ClinVar variation 870823 (VCV000870823.42), dbSNP rs1553631720, ClinGen allele CA351809393.